The following is an entry in ClinVar:

ClinVar aggregate classification (germline): Conflicting classifications of pathogenicity. Review status: criteria provided, conflicting classifications (1 of 4 stars). 23 submissions from 22 submitters: Uncertain significance (12); Benign (2); Likely benign (9). Last evaluated 2026-01-29.

Conditions:
ATM-related disorder. Also called: ATM-related disorders; ATM-related condition.
Breast and/or ovarian cancer. Identifiers: MedGen CN221562.
Hereditary cancer-predisposing syndrome. Also called: Neoplastic Syndromes, Hereditary; Hereditary Cancer Syndrome; Tumor predisposition; Hereditary neoplastic syndrome. Identifiers: Orphanet 140162, MedGen C0027672, MeSH D009386, MONDO:0015356.
Hereditary breast ovarian cancer syndrome. Also called: BRCA1- and BRCA2-Associated Hereditary Breast and Ovarian Cancer; Hereditary breast and ovarian cancer syndrome; Hereditary breast and ovarian cancer syndrome (HBOC); Hereditary breast and/or ovarian cancer syndrome; Hereditary breast and ovarian cancer; Breast and ovarian cancer. Identifiers: Orphanet 145, MedGen C0677776, MeSH D061325, MONDO:0003582. Disease mechanism: loss of function.
Familial cancer of breast. Also called: BREAST CANCER, FAMILIAL; hereditary breast carcinoma; Hereditary breast cancer. Identifiers: Orphanet 227535, MedGen C0346153, MONDO:0016419, OMIM 114480. Disease mechanism: loss of function.
Ataxia-telangiectasia syndrome (AT). Also called: Ataxia-telangiectasia, complementation group D; AT, COMPLEMENTATION GROUP C; Ataxia-telangiectasia; ATAXIA-TELANGIECTASIA, COMPLEMENTATION GROUP A; ATAXIA-TELANGIECTASIA, FRESNO VARIANT; Ataxia-telangiectasia, complementation group E. Identifiers: Orphanet 100, MedGen C0004135, MONDO:0008840, OMIM 208900.

Allele frequency attached by ClinVar (database versions not stated): ESP Exome Variant Server 0.00023; TOPMed 0.00025; gnomAD 0.00015 and 0.00017; ExAC 0.00018; gnomAD exomes 0.00020.
gnomAD v4.1: 550 of 1,613,918 alleles (0.034%); highest among the groups gnomAD compares: Admixed American, 0.043%; no homozygotes.

Submissions 1 to 14 of 23:

Labcorp Genetics (formerly Invitae), Labcorp
Classification: Benign for Ataxia-telangiectasia syndrome. Last evaluated: 2026-01-29. Review status: criteria provided, single submitter. Criteria: Invitae Variant Classification Sherloc (09022015). Collection method: clinical testing. Allele origin: germline.

Quest Diagnostics Nichols Institute San Juan Capistrano
Classification: Likely benign. Last evaluated: 2025-11-01. Review status: criteria provided, single submitter. Criteria: Quest Diagnostics criteria. Collection method: clinical testing. Allele origin: unknown.

Mayo Clinic Laboratories, Mayo Clinic
Classification: Uncertain significance. Last evaluated: 2025-09-09. Review status: criteria provided, single submitter. Criteria: ACMG Guidelines, 2015. Collection method: clinical testing. Allele origin: germline. Observed: 8 variant alleles.
Comment: BP4

Institute for Biomarker Research, Medical Diagnostic Laboratories, L.L.C.
Classification: Uncertain significance for Hereditary cancer-predisposing syndrome. Last evaluated: 2025-08-04. Review status: criteria provided, single submitter. Criteria: ACMG Guidelines, 2015. Collection method: clinical testing. Allele origin: germline.
Comment: The missense variant NM_000051.4(ATM):c.7187C>G (p.Thr2396Ser) has not been reported previously as a pathogenic variant , to our knowledge. There is a small physicochemical difference between threonine and serine, which is not likely to impact secondary protein structure as these residues share similar properties. The gene ATM has a low rate of benign missense variation as indicated by a high missense variants Z-Score of 2.52. The gene ATM contains 177 pathogenic missense variants, indicating that missense variants are a common mechanism of disease in this gene. For these reasons, this variant has been classified as Uncertain Significance.

Laboratorio de I+D, Fundación Centro Médico de Asturias
Classification: Likely benign for Hereditary breast ovarian cancer syndrome. Last evaluated: 2025-07-08. Review status: criteria provided, single submitter. Criteria: ACMG Guidelines, 2015. Collection method: clinical testing. Allele origin: germline.
Comment: BP4_Strong+BP1+PM2_Supporting

Genetic Services Laboratory, University of Chicago
Classification: Uncertain significance. Last evaluated: 2025-05-19. Review status: criteria provided, single submitter. Criteria: ACMG Guidelines, 2015. Collection method: clinical testing. Allele origin: germline.
Comment: The c.7187C>G variant: Results in an amino acid change, p.Thr2396Ser. Has been previously described in individuals with breast cancer, but has also been identified in controls (PMID: 35264596, 19404735, 19781682). Is reported in the gnomAD v4 database with a frequency of 0.03% in the global population (dbSNP rs370559102). Affects a moderately conserved amino acid residue located in a domain of the ATM protein that is known to be functional. Appears to be benign using several in-silico pathogenicity prediction tools. ClinVar contains an entry for this variant (Variation ID: 127438). Due to insufficient evidence and the lack of functional studies, the clinical significance of the p.Thr2396Ser variant remains unknown at this time.

Molecular Pathology, Peter Maccallum Cancer Centre
Classification: Uncertain significance for Ataxia-telangiectasia syndrome. Last evaluated: 2025-04-02. Review status: criteria provided, single submitter. Criteria: ACMG Guidelines, 2015. Collection method: clinical testing. Allele origin: germline. Inheritance: Autosomal recessive inheritance.

PreventionGenetics, part of Exact Sciences
Classification: Likely benign for ATM-related condition. Last evaluated: 2025-03-24. Review status: criteria provided, single submitter. Criteria: ACMG Guidelines, 2015. Collection method: clinical testing. Allele origin: germline.
Comment: This variant is classified as likely benign based on ACMG/AMP sequence variant interpretation guidelines (Richards et al. 2015 PMID: 25741868, with internal and published modifications).

St. Jude Molecular Pathology, St. Jude Children's Research Hospital
Classification: Uncertain significance for Ataxia-telangiectasia syndrome. Last evaluated: 2024-10-08. Review status: criteria provided, single submitter. Criteria: St. Jude Assertion Criteria 2020. Collection method: clinical testing. Allele origin: germline.
Comment: The ATM c.7187C>G (p.Thr2396Ser) missense change has a maximum subpopulation frequency of 0.045% in gnomAD v2.1.1. The in silico tool REVEL predicts a benign effect on protein function, but this prediction has not been confirmed by functional studies. This variant has been reported in individuals with breast cancer and/or ovarian cancer (PMID: 18384426, 19404735, 25186627, 30306255, 31159747). This variant has been reported in 3 individuals in a database of women older than 70 years of age who have never had cancer (FLOSSIES database) and in 4 of 1358 control individuals collected as part of a non-cancer studies (PMID: 29641532). This variant has not been reported in individuals with ataxia telangiectasia. In summary, the evidence currently available is insufficient to determine the clinical significance of this variant. It has therefore been classified as of uncertain significance.

Myriad Genetics, Inc.
Classification: Likely benign for Familial cancer of breast. Last evaluated: 2024-06-13. Review status: criteria provided, single submitter. Criteria: Myriad Autosomal Dominant, Autosomal Recessive and X-Linked Classification Criteria (2023). Collection method: clinical testing. Allele origin: unknown.
Comment: This variant is considered likely benign. This variant is strongly associated with less severe personal and family histories of cancer, typical for individuals without pathogenic variants in this gene [PMID: 25085752].

Mendelics
Classification: Likely benign for Ataxia-telangiectasia syndrome. Last evaluated: 2024-04-09. Review status: criteria provided, single submitter. Criteria: ACMG Guidelines, 2015. Collection method: clinical testing. Allele origin: unknown.

St. Jude Molecular Pathology, St. Jude Children's Research Hospital
Classification: Uncertain significance for Familial cancer of breast. Last evaluated: 2023-10-23. Review status: criteria provided, single submitter. Criteria: St. Jude Assertion Criteria 2020. Collection method: clinical testing. Allele origin: germline.
Comment: The ATM c.7187C>G (p.Thr2396Ser) missense change has a maximum subpopulation frequency of 0.045% in gnomAD v2.1.1. The in silico tool REVEL predicts a benign effect on protein function, but to our knowledge this prediction has not been confirmed by functional studies. This variant has been reported in individuals with breast cancer and/or ovarian cancer (PMID: 18384426, 19404735, 25186627, 30306255, 31159747). This variant has been reported in 3 individuals in a database of women older than 70 years of age who have never had cancer (FLOSSIES database) and in 4 of 1358 control individuals collected as part of a non-cancer studies (PMID: 29641532). To our knowledge, this variant has not been reported in individuals with ataxia telangiectasia. In summary, the evidence currently available is insufficient to determine the clinical significance of this variant. It has therefore been classified as of uncertain significance.

CeGaT Center for Human Genetics Tuebingen
Classification: Uncertain significance. Last evaluated: 2023-01-01. Review status: criteria provided, single submitter. Criteria: CeGaT Center For Human Genetics Tuebingen Variant Classification Criteria Version 2. Collection method: clinical testing. Allele origin: germline. Affected: yes. Observed: 3 variant alleles.
Comment: ATM: PM2, BP4

CHEO Genetics Diagnostic Laboratory, Children's Hospital of Eastern Ontario
Classification: Uncertain significance for Breast and/or ovarian cancer. Last evaluated: 2022-12-21. Review status: criteria provided, single submitter. Criteria: ACMG Guidelines, 2015. Collection method: clinical testing. Allele origin: germline.

NM_000051.4(ATM):c.7187C>G (p.Thr2396Ser)

Genes: ATM (ATM serine/threonine kinase; plus strand), C11orf65 (chromosome 11 open reading frame 65; minus strand). Cytogenetic location: 11q22.3.
Variant type: single nucleotide variant.
Coding change: c.7187C>G on transcript NM_000051.4 (MANE Select); coding-DNA position 7187, C replaced by G.
Protein change: p.Thr2396Ser; replaces threonine 2396 with serine.
Molecular consequence: missense variant. On other transcripts: intron variant (2).
Genome position (GRCh38, 1-based): chr11:108,329,118, C>G. VCF-style: chr11-108329118-C-G. GRCh37 (hg19) VCF-style: chr11-108199845-C-G.
Other names: p.T2396S:ACT>AGT; c.7187C>G, p.Thr2396Ser (NM_001351834.2); c.641-20047G>C (NM_001330368.2); c.*38+6102G>C (NM_001351110.2); short protein forms T2396S.
Identifiers: ClinVar variation 127438 (VCV000127438.86), dbSNP rs370559102, ClinGen allele CA286969.
Genomic context (GRCh38, chr11:108,329,118, plus strand): 5'-GTGATGAGCTAAGAAATGGAAAAATGAAGGCATTTCTCTCATTAGCCCGGTTTTCAGATA[C>G]TCAATACCAAAGAATTGAAAACTACATGAAATCATCGGAATTTGAAAACAAGCAAGCTCT-3'
Protein context (NP_000042.3, residues 2386-2406): AFLSLARFSD[Thr2396Ser]QYQRIENYMK